The following is an entry in ClinVar:

NM_001355436.2(SPTB):c.612T>C (p.Asp204=)

Gene: SPTB (spectrin beta, erythrocytic; minus strand). Cytogenetic location: 14q23.3.
Variant type: single nucleotide variant.
Coding change: c.612T>C on transcript NM_001355436.2 (MANE Select); coding-DNA position 612, T replaced by C.
Protein change: p.Asp204=; no amino-acid change (aspartic acid 204 retained).
Molecular consequence: synonymous variant.
Genome position (GRCh38, 1-based): chr14:64,801,789, A>G on the plus strand (T>C on the coding strand, the complement: SPTB is on the minus strand). VCF-style: chr14-64801789-A-G. GRCh37 (hg19) VCF-style: chr14-65268507-A-G.
Other names: c.612T>C, p.Asp204= (NM_001024858.4, NM_001355437.2).
Identifiers: ClinVar variation 2644326 (VCV002644326.24), dbSNP rs369646468, ClinGen allele CA7231390.

ClinVar aggregate classification (germline): Likely benign (1 of 4 stars; one submission).

Allele frequency attached by ClinVar (database versions not stated): ExAC 0.00001; gnomAD exomes 0.00001; ESP Exome Variant Server 0.00008.
gnomAD v4.1: 8 of 1,614,242 alleles (0.0005%); highest among the groups gnomAD compares: Non-Finnish European, 0.00068%; no homozygotes.

Submission:

CeGaT Center for Human Genetics Tuebingen
Classification: Likely benign. Last evaluated: 2023-10-01. Review status: criteria provided, single submitter. Criteria: CeGaT Center For Human Genetics Tuebingen Variant Classification Criteria Version 2. Collection method: clinical testing. Allele origin: germline. Affected: yes. Observed: 1 variant allele.
Comment: SPTB: BP4, BP7